The following is an entry in ClinVar:

ClinVar aggregate classification (germline): Conflicting classifications of pathogenicity. Review status: criteria provided, conflicting classifications (1 of 4 stars). 2 submissions from 2 submitters: Likely pathogenic (1); Uncertain significance (1). Last evaluated 2025-02-19.

Conditions:
Primary ciliary dyskinesia 7. Also called: CILIARY DYSKINESIA, PRIMARY, 7, WITH OR WITHOUT SITUS INVERSUS. Identifiers: Orphanet 244, MedGen C2678473, MONDO:0012748, OMIM 611884.

gnomAD v4.1: 4 of 1,613,148 alleles (0.00025%); highest among the groups gnomAD compares: South Asian, 0.0011%; no homozygotes.

Submissions (2):

Broad Center for Mendelian Genomics, Broad Institute of MIT and Harvard
Classification: Uncertain significance for Primary ciliary dyskinesia 7. Last evaluated: 2025-02-19. Review status: criteria provided, single submitter. Criteria: ACMG Guidelines, 2015. Collection method: curation. Allele origin: germline. Inheritance: Autosomal recessive inheritance.
Comment: The p.Arg3888Cys variant in DNAH11 has been reported, in the compound heterozygous state, in 2 siblings with primary ciliary dyskinesia (PMID: 32633470), and has been identified in 0.001% (1/90928) of South Asian chromosomes by the Genome Aggregation Database (gnomAD; dbSNP ID: rs1260376096). Although this variant has been seen in the general population in a heterozygous state, its frequency is low enough to be consistent with a recessive carrier frequency. Computational prediction tools and conservation analyses do not provide strong support for or against an impact to the protein. In summary, the clinical significance of the p.Arg3888Cys variant is uncertain. ACMG/AMP Criteria applied: PM3, PM2_supporting (Richards 2015).

GeneDx
Classification: Likely pathogenic. Last evaluated: 2024-05-24. Review status: criteria provided, single submitter. Criteria: GeneDx Variant Classification Process June 2021. Collection method: clinical testing. Allele origin: germline. Affected: yes.
Comment: Not observed at significant frequency in large population cohorts (gnomAD); In silico analysis supports that this missense variant has a deleterious effect on protein structure/function; This variant is associated with the following publications: (PMID: 32633470)

NM_001277115.2(DNAH11):c.11662C>T (p.Arg3888Cys)

Gene: DNAH11 (dynein axonemal heavy chain 11; plus strand). Cytogenetic location: 7p15.3.
Variant type: single nucleotide variant.
Coding change: c.11662C>T on transcript NM_001277115.2 (MANE Select); coding-DNA position 11662, C replaced by T.
Protein change: p.Arg3888Cys; replaces arginine 3888 with cysteine.
Molecular consequence: missense variant.
Genome position (GRCh38, 1-based): chr7:21,866,635, C>T. VCF-style: chr7-21866635-C-T. GRCh37 (hg19) VCF-style: chr7-21906253-C-T.
Other names: NM_001277115.2:c.11662C>T; short protein forms R3888C.
Identifiers: ClinVar variation 3381377 (VCV003381377.2).